The following is an entry in ClinVar:

ClinVar aggregate classification (germline): Uncertain significance (1 of 4 stars; one submission).

gnomAD v4.1: 4 of 1,612,006 alleles (0.00025%); highest among the groups gnomAD compares: Non-Finnish European, 0.00034%; no homozygotes.

Submission:

Labcorp Genetics (formerly Invitae), Labcorp
Classification: Uncertain significance. Last evaluated: 2025-08-15. Review status: criteria provided, single submitter. Criteria: Invitae Variant Classification Sherloc (09022015). Collection method: clinical testing. Allele origin: germline.
Comment: This sequence change replaces serine, which is neutral and polar, with phenylalanine, which is neutral and non-polar, at codon 927 of the NUP205 protein (p.Ser927Phe). This variant is present in population databases (rs778613880, gnomAD 0.0009%). This variant has not been reported in the literature in individuals affected with NUP205-related conditions. Invitae Evidence Modeling of protein sequence and biophysical properties (such as structural, functional, and spatial information, amino acid conservation, physicochemical variation, residue mobility, and thermodynamic stability) indicates that this missense variant is not expected to disrupt NUP205 protein function with a negative predictive value of 80%. In summary, the available evidence is currently insufficient to determine the role of this variant in disease. Therefore, it has been classified as a Variant of Uncertain Significance.

NM_015135.3(NUP205):c.2780C>T (p.Ser927Phe)

Gene: NUP205 (nucleoporin 205; plus strand). Cytogenetic location: 7q33.
Variant type: single nucleotide variant.
Coding change: c.2780C>T on transcript NM_015135.3 (MANE Select); coding-DNA position 2780, C replaced by T.
Protein change: p.Ser927Phe; replaces serine 927 with phenylalanine.
Molecular consequence: missense variant.
Genome position (GRCh38, 1-based): chr7:135,604,417, C>T. VCF-style: chr7-135604417-C-T. GRCh37 (hg19) VCF-style: chr7-135289165-C-T.
Other names: c.1706C>T, p.Ser569Phe (NM_001329434.2); short protein forms S927F, S569F.
Identifiers: ClinVar variation 4771608 (VCV004771608.1).